The following is an entry in ClinVar:

NM_199355.4(ADAMTS18):c.2972G>A (p.Cys991Tyr)

Gene: ADAMTS18 (ADAM metallopeptidase with thrombospondin type 1 motif 18; minus strand). Cytogenetic location: 16q23.1.
Variant type: single nucleotide variant.
Coding change: c.2972G>A on transcript NM_199355.4 (MANE Select); coding-DNA position 2972, G replaced by A.
Protein change: p.Cys991Tyr; replaces cysteine 991 with tyrosine.
Molecular consequence: missense variant.
Genome position (GRCh38, 1-based): chr16:77,294,957, C>T on the plus strand (G>A on the coding strand, the complement: ADAMTS18 is on the minus strand). VCF-style: chr16-77294957-C-T. GRCh37 (hg19) VCF-style: chr16-77328854-C-T.
Other names: c.2456G>A, p.Cys819Tyr (NM_001326358.2); short protein forms C819Y, C991Y.
Identifiers: ClinVar variation 1502804 (VCV001502804.8), dbSNP rs2144577136, ClinGen allele CA396833352.

ClinVar aggregate classification (germline): Uncertain significance (1 of 4 stars; one submission).

Allele frequency attached by ClinVar (database versions not stated): gnomAD exomes below 0.00001.
gnomAD v4.1: 1 of 1,614,170 alleles (0.000062%); highest among the groups gnomAD compares: Admixed American, 0.0017%; no homozygotes.

Submission:

Labcorp Genetics (formerly Invitae), Labcorp
Classification: Uncertain significance. Last evaluated: 2022-07-19. Review status: criteria provided, single submitter. Criteria: Invitae Variant Classification Sherloc (09022015). Collection method: clinical testing. Allele origin: germline.
Comment: ClinVar contains an entry for this variant (Variation ID: 1502804). This variant has not been reported in the literature in individuals affected with ADAMTS18-related conditions. This variant is not present in population databases (gnomAD no frequency). This sequence change replaces cysteine, which is neutral and slightly polar, with tyrosine, which is neutral and polar, at codon 991 of the ADAMTS18 protein (p.Cys991Tyr). Algorithms developed to predict the effect of missense changes on protein structure and function are either unavailable or do not agree on the potential impact of this missense change (SIFT: "Not Available"; PolyPhen-2: "Probably Damaging"; Align-GVGD: "Not Available"). In summary, the available evidence is currently insufficient to determine the role of this variant in disease. Therefore, it has been classified as a Variant of Uncertain Significance.